The following is an entry in ClinVar:

ClinVar aggregate classification (germline): Uncertain significance (1 of 4 stars; one submission).

Conditions:
Cardiovascular phenotype. Identifiers: MedGen CN230736.

Submission:

Ambry Genetics
Classification: Uncertain significance for Cardiovascular phenotype. Last evaluated: 2024-01-22. Review status: criteria provided, single submitter. Criteria: Ambry Variant Classification Scheme 2023. Collection method: clinical testing. Allele origin: germline.
Comment: The p.P1525S variant (also known as c.4573C>T), located in coding exon 26 of the FLNC gene, results from a C to T substitution at nucleotide position 4573. The proline at codon 1525 is replaced by serine, an amino acid with similar properties. This amino acid position is conserved. In addition, this alteration is predicted to be deleterious by in silico analysis. Based on the available evidence, the clinical significance of this alteration remains unclear.

NM_001458.5(FLNC):c.4573C>T (p.Pro1525Ser)

Gene: FLNC (filamin C; plus strand). Cytogenetic location: 7q32.1.
Variant type: single nucleotide variant.
Coding change: c.4573C>T on transcript NM_001458.5 (MANE Select); coding-DNA position 4573, C replaced by T.
Protein change: p.Pro1525Ser; replaces proline 1525 with serine.
Molecular consequence: missense variant.
Genome position (GRCh38, 1-based): chr7:128,848,061, C>T. VCF-style: chr7-128848061-C-T. GRCh37 (hg19) VCF-style: chr7-128488115-C-T.
Other names: c.4573C>T, p.Pro1525Ser (NM_001127487.2); short protein forms P1525S.
Identifiers: ClinVar variation 3221731 (VCV003221731.1), dbSNP rs2536646704, ClinGen allele CA369202044.